The following is an entry in ClinVar:

NM_014283.5(SUCO):c.638_640del (p.Thr213del)

Gene: SUCO (SUN domain containing ossification factor; plus strand). Cytogenetic location: 1q24.3.
Variant type: Deletion.
Coding change: c.638_640del on transcript NM_014283.5 (MANE Select); coding-DNA positions 638 to 640, 3 bases deleted (CAA; older notation c.638_640delCAA).
Protein change: p.Thr213del; deletes threonine 213.
Molecular consequence: inframe deletion. On other transcripts: 5 prime UTR variant (1).
Genome position (GRCh38, 1-based): chr1:172,557,700-172,557,702, CAA deleted; deleting any 3 consecutive bases within chr1:172,557,698-172,557,702 gives the same sequence; the c. name uses the placement nearest the transcript's 3' end. VCF-style (leftmost placement, unchanged base first): chr1-172557697-TAAC-T. GRCh37 (hg19) VCF-style: chr1-172526837-TAAC-T.
Other names: c.527_529del, p.Thr176del (NM_001282750.2); c.-892_-890del (NM_001282751.2); c.1112_1114del, p.Thr371del (NM_016227.4); short protein forms T371del, T213del, T176del.
Identifiers: ClinVar variation 2168345 (VCV002168345.4), dbSNP rs771610766, ClinGen allele CA1246601.

ClinVar aggregate classification (germline): Uncertain significance (1 of 4 stars; one submission).

Submission:

Labcorp Genetics (formerly Invitae), Labcorp
Classification: Uncertain significance. Last evaluated: 2025-12-20. Review status: criteria provided, single submitter. Criteria: Invitae Variant Classification Sherloc (09022015). Collection method: clinical testing. Allele origin: germline.
Comment: This variant, c.638_640del, results in the deletion of 1 amino acid(s) of the SUCO protein (p.Thr213del), but otherwise preserves the integrity of the reading frame. This variant is present in population databases (rs771610766, gnomAD 0.07%), and has an allele count higher than expected for a pathogenic variant. This variant has not been reported in the literature in individuals affected with SUCO-related conditions. ClinVar contains an entry for this variant (Variation ID: 2168345). Experimental studies and prediction algorithms are not available or were not evaluated, and the functional significance of this variant is currently unknown. In summary, the available evidence is currently insufficient to determine the role of this variant in disease. Therefore, it has been classified as a Variant of Uncertain Significance.